The following is an entry in ClinVar:

ClinVar aggregate classification (germline): Uncertain significance. Review status: criteria provided, multiple submitters, no conflicts (2 of 4 stars). 3 submissions from 3 submitters: Uncertain significance (3). Last evaluated 2026-02-01.

Conditions:
Hereditary cancer-predisposing syndrome. Also called: Hereditary neoplastic syndrome; Neoplastic Syndromes, Hereditary; Tumor predisposition; Hereditary Cancer Syndrome. Identifiers: Orphanet 140162, MedGen C0027672, MeSH D009386, MONDO:0015356.
Basal cell carcinoma, susceptibility to, 1. Also called: BCC1. Identifiers: MedGen C2751544, MONDO:0011556, OMIM 605462.
Gorlin syndrome. Also called: Nevoid Basal Cell Carcinoma Syndrome; Basal cell nevus syndrome. Identifiers: Orphanet 377, MedGen C0004779, MONDO:0007187.

Allele frequency attached by ClinVar (database versions not stated): gnomAD exomes below 0.00001; TOPMed 0.00001; gnomAD 0.00003.
gnomAD v4.1: 11 of 1,613,966 alleles (0.00068%); highest among the groups gnomAD compares: Admixed American, 0.0067%; no homozygotes.

Submissions (3):

Labcorp Genetics (formerly Invitae), Labcorp
Classification: Uncertain significance for Gorlin syndrome. Last evaluated: 2026-02-01. Review status: criteria provided, single submitter. Criteria: Invitae Variant Classification Sherloc (09022015). Collection method: clinical testing. Allele origin: germline.
Comment: This sequence change replaces glycine, which is neutral and non-polar, with arginine, which is basic and polar, at codon 1396 of the PTCH1 protein (p.Gly1396Arg). This variant is not present in population databases (gnomAD no frequency). This variant has not been reported in the literature in individuals affected with PTCH1-related conditions. ClinVar contains an entry for this variant (Variation ID: 409156). Invitae Evidence Modeling of protein sequence and biophysical properties (such as structural, functional, and spatial information, amino acid conservation, physicochemical variation, residue mobility, and thermodynamic stability) indicates that this missense variant is not expected to disrupt PTCH1 protein function with a negative predictive value of 95%. In summary, the available evidence is currently insufficient to determine the role of this variant in disease. Therefore, it has been classified as a Variant of Uncertain Significance.

Ambry Genetics
Classification: Uncertain significance for Hereditary cancer-predisposing syndrome. Last evaluated: 2024-03-14. Review status: criteria provided, single submitter. Criteria: Ambry Variant Classification Scheme 2023. Collection method: clinical testing. Allele origin: germline.
Comment: The p.G1396R variant (also known as c.4186G>A), located in coding exon 23 of the PTCH1 gene, results from a G to A substitution at nucleotide position 4186. The glycine at codon 1396 is replaced by arginine, an amino acid with dissimilar properties. This amino acid position is highly conserved in available vertebrate species. In addition, the in silico prediction for this alteration is inconclusive. Based on the available evidence, the clinical significance of this alteration remains unclear.

Baylor Genetics
Classification: Uncertain significance for Basal cell carcinoma, susceptibility to, 1. Last evaluated: 2024-02-20. Review status: criteria provided, single submitter. Criteria: ACMG Guidelines, 2015. Collection method: clinical testing. Allele origin: unknown.

NM_000264.5(PTCH1):c.4186G>A (p.Gly1396Arg)

Gene: PTCH1 (patched 1; minus strand). Cytogenetic location: 9q22.32.
Variant type: single nucleotide variant.
Coding change: c.4186G>A on transcript NM_000264.5 (MANE Select); coding-DNA position 4186, G replaced by A.
Protein change: p.Gly1396Arg; replaces glycine 1396 with arginine.
Molecular consequence: missense variant. On other transcripts: non-coding transcript variant (1).
Genome position (GRCh38, 1-based): chr9:95,447,070, C>T on the plus strand (G>A on the coding strand, the complement: PTCH1 is on the minus strand). VCF-style: chr9-95447070-C-T. GRCh37 (hg19) VCF-style: chr9-98209352-C-T.
Other names: c.3988G>A, p.Gly1330Arg (NM_001083602.3); c.4183G>A, p.Gly1395Arg (NM_001083603.3); c.3733G>A, p.Gly1245Arg (NM_001083604.3, NM_001083605.3, NM_001083606.3 and 1 more transcripts); c.4030G>A, p.Gly1344Arg (NM_001354918.2); short protein forms G1330R, G1396R, G1395R, G1344R, G1245R.
Identifiers: ClinVar variation 409156 (VCV000409156.11), dbSNP rs1060502276, ClinGen allele CA16612899.